The following is an entry in ClinVar:

NM_000535.7(PMS2):c.2275+1G>C

Gene: PMS2 (PMS1 homolog 2, mismatch repair system component; minus strand). Cytogenetic location: 7p22.1.
Variant type: single nucleotide variant.
Coding change: c.2275+1G>C on transcript NM_000535.7 (MANE Select); the canonical splice donor site of the intron after coding-DNA position 2275, G replaced by C.
Molecular consequence: splice donor variant. On other transcripts: intron variant (2).
Genome position (GRCh38, 1-based): chr7:5,978,595, C>G on the plus strand (G>C on the coding strand, the complement: PMS2 is on the minus strand). VCF-style: chr7-5978595-C-G. GRCh37 (hg19) VCF-style: chr7-6018226-C-G.
Other names: c.1957+1G>C (NM_001322008.2, NM_001406883.1, NM_001322007.2 and 1 more transcripts); c.1966+1G>C (NM_001406881.1, NM_001406879.1, NM_001322015.2 and 5 more transcripts); c.1870+1G>C (NM_001406895.1, NM_001322004.2, NM_001406889.1 and 14 more transcripts); c.1504+1G>C (NM_001406911.1); c.1714+1G>C (NM_001322010.2, NM_001406906.1, NM_001406907.1); c.1801+1G>C (NM_001406902.1, NM_001406901.1); c.1762+1G>C (NM_001406904.1, NM_001406905.1); c.1702+1G>C (NM_001322013.2, NM_001406908.1, NM_001406909.1); and 16 more.
Identifiers: ClinVar variation 664878 (VCV000664878.14), dbSNP rs1554294393, ClinGen allele CA366736385.
Genomic context (GRCh38, chr7:5,978,595, plus strand): 5'-TGCTGGGATTACAGACGTGAGCCACCACACCCAGCCGCTATAGTTCTAATTAATAACTTA[C>G]CATTTTCATCGATAACAAAATCAAAGCCATTCTTTCTAAATATTTCCAGATTTTCTATCA-3'

ClinVar aggregate classification (germline): Pathogenic/Likely pathogenic. Review status: criteria provided, multiple submitters, no conflicts (2 of 4 stars). 6 submissions from 6 submitters: Pathogenic (4); Likely pathogenic (2). Last evaluated 2025-02-19.

Conditions:
Hereditary cancer-predisposing syndrome. Also called: Neoplastic Syndromes, Hereditary; Hereditary Cancer Syndrome; Tumor predisposition; Hereditary neoplastic syndrome. Identifiers: Orphanet 140162, MedGen C0027672, MeSH D009386, MONDO:0015356.
Lynch syndrome 4 (LYNCH4). Also called: Colorectal cancer, hereditary nonpolyposis, type 4; Hereditary non-polyposis colorectal cancer, type 4. Identifiers: Orphanet 144, MedGen C1838333, MONDO:0013699, OMIM 614337. Disease mechanism: loss of function.
Hereditary nonpolyposis colorectal neoplasms. Identifiers: MedGen C0009405, MeSH D003123.
PMS2-related disorder. Also called: PMS2-related condition.

Submissions (6):

Color Diagnostics, LLC DBA Color Health
Classification: Pathogenic for Hereditary cancer-predisposing syndrome. Last evaluated: 2025-02-19. Review status: criteria provided, single submitter. Criteria: ACMG Guidelines, 2015. Collection method: clinical testing. Allele origin: germline.
Comment: This variant causes a G to C nucleotide substitution at the +1 position of intron 13 of the PMS2 gene. Splice site prediction tools predict that this variant may have a significant impact on RNA splicing. Although this prediction has not been confirmed in published RNA studies, this variant is expected to result in an absent or disrupted protein product. This variant has been reported in an individual affected with early onset colorectal cancer whose tumor displayed loss of PMS2 expression via immunohistochemistry (PMID: 33193653). This variant has not been identified in the general population by the Genome Aggregation Database (gnomAD). Different variants affecting the same splice donor site, c.2275+1G>T, c.2275+1G>A, and c.2275+2T>C are known to be disease-causing (ClinVar variation ID: 455697, 449208, 579088). Loss of PMS2 function is a known mechanism of disease. Based on the available evidence, this variant is classified as Pathogenic.

Ambry Genetics
Classification: Likely pathogenic for Hereditary cancer-predisposing syndrome. Last evaluated: 2024-09-17. Review status: criteria provided, single submitter. Criteria: Ambry Variant Classification Scheme 2023. Collection method: clinical testing. Allele origin: germline.
Comment: The c.2275+1G>C intronic variant results from a G to C substitution one nucleotide after coding exon 13 of the PMS2 gene. This alteration has been reported in individuals with PMS2-deficient colorectal cancer (Ambry internal data; Djursby M et al. Front Genet, 2020 Sep;11:566266). This variant is considered to be rare based on population cohorts in the Genome Aggregation Database (gnomAD). This nucleotide position is highly conserved in available vertebrate species. In silico splice site analysis predicts that this alteration will weaken the native splice donor site. In addition to the clinical data presented in the literature, alterations that disrupt the canonical splice site are expected to cause aberrant splicing, resulting in an abnormal protein or a transcript that is subject to nonsense-mediated mRNA decay. As such, this alteration is classified as likely pathogenic.

Myriad Genetics, Inc.
Classification: Likely pathogenic for Lynch syndrome 4. Last evaluated: 2023-09-22. Review status: criteria provided, single submitter. Criteria: Myriad Autosomal Dominant, Autosomal Recessive and X-Linked Classification Criteria (2023). Collection method: clinical testing. Allele origin: unknown.
Comment: This variant is considered likely pathogenic. This variant occurs within a consensus splice junction and is predicted to result in abnormal mRNA splicing of either an out-of-frame exon or an in-frame exon necessary for protein stability and/or normal function.

Blueprint Genetics
Classification: Pathogenic for PMS2-related disorders. Last evaluated: 2023-03-30. Review status: criteria provided, single submitter. Criteria: ACMG Guidelines, 2015. Collection method: clinical testing. Allele origin: germline. Affected: yes. Observed: 1 variant allele.

Labcorp Genetics (formerly Invitae), Labcorp
Classification: Pathogenic for Hereditary nonpolyposis colorectal neoplasms. Last evaluated: 2022-06-13. Review status: criteria provided, single submitter. Criteria: Invitae Variant Classification Sherloc (09022015). Collection method: clinical testing. Allele origin: germline.
Comment: For these reasons, this variant has been classified as Pathogenic. Algorithms developed to predict the effect of sequence changes on RNA splicing suggest that this variant may disrupt the consensus splice site. ClinVar contains an entry for this variant (Variation ID: 664878). Disruption of this splice site has been observed in individuals with clinical features of Lynch syndrome (PMID: 27435373, 31992580, 33193653; Invitae). The frequency data for this variant in the population databases (gnomAD) is considered unreliable due to the presence of homologous sequence, such as pseudogenes or paralogs, in the genome. This sequence change affects a donor splice site in intron 13 of the PMS2 gene. It is expected to disrupt RNA splicing. Variants that disrupt the donor or acceptor splice site typically lead to a loss of protein function (PMID: 16199547), and loss-of-function variants in PMS2 are known to be pathogenic (PMID: 21376568, 24362816).

Baylor Genetics
Classification: Pathogenic for Lynch syndrome 4. Last evaluated: 2021-11-15. Review status: criteria provided, single submitter. Criteria: ACMG Guidelines, 2015. Collection method: clinical testing. Allele origin: unknown.

Literature cited by the submitters: PubMed 33193653 (cited by 3 submitters); PubMed 27435373 (cited by Labcorp Genetics (formerly Invitae), Labcorp); PubMed 31992580 (cited by Labcorp Genetics (formerly Invitae), Labcorp); PubMed 16199547 (cited by Labcorp Genetics (formerly Invitae), Labcorp); PubMed 21376568 (cited by Labcorp Genetics (formerly Invitae), Labcorp); PubMed 24362816 (cited by Labcorp Genetics (formerly Invitae), Labcorp).